The following is an entry in ClinVar:

ClinVar aggregate classification (germline): Pathogenic. Review status: criteria provided, multiple submitters, no conflicts (2 of 4 stars). 17 submissions from 16 submitters: Pathogenic (12). 5 of the submissions do not count toward it. Last evaluated 2026-07-01.

Conditions:
ALPL-related disorder. Also called: ALPL-related disorders; ALPL-related condition.
Hypophosphatasia. Also called: Phosphoethanol-aminuria. Identifiers: Orphanet 436, MedGen C0020630, MeSH D007014, MONDO:0018570.
Odontohypophosphatasia. Identifiers: Orphanet 247685, MedGen C1840322, MONDO:0016607.
Adult hypophosphatasia. Identifiers: Orphanet 247676, Orphanet 436, MedGen C0268413, MONDO:1010154, OMIM 146300, MONDO:0007798.
Childhood hypophosphatasia. Identifiers: Orphanet 247667, Orphanet 436, MedGen C0220743, MONDO:1010168, OMIM 241510, MONDO:0009428.
Infantile hypophosphatasia. Identifiers: Orphanet 247651, Orphanet 436, MedGen C0268412, MONDO:1010169, OMIM 241500, MONDO:0009427.

Submissions (17):

CeGaT Center for Human Genetics Tuebingen
Classification: Pathogenic. Last evaluated: 2026-07-01. Review status: criteria provided, single submitter. Criteria: CeGaT Center For Human Genetics Tuebingen Variant Classification Criteria Version 2. Collection method: clinical testing. Allele origin: germline. Affected: yes. Observed: 1 variant allele.
Comment: ALPL: PS4, PM1, PM2, PM5:Supporting, PS3:Supporting

Greenwood Genetic Center Diagnostic Laboratories, Greenwood Genetic Center
Classification: Pathogenic for ALPL-related disorder. Last evaluated: 2026-06-29. Review status: criteria provided, single submitter. Criteria: ACMG Guidelines, 2015. Collection method: clinical testing. Allele origin: germline. Affected: yes.
Comment: PS3, PM2, PM3, PP3

GeneDx
Classification: Pathogenic. Last evaluated: 2025-11-17. Review status: criteria provided, single submitter. Criteria: GeneDx Variant Classification Process June 2021. Collection method: clinical testing. Allele origin: germline. Affected: yes.
Comment: Observed in the heterozygous state with no other ALPL variants in patients with mild or childhood hypophosphatasia (PMID: 11479741, 19500388); Published functional studies demonstrate a damaging effect due to reduction of enzyme activity and aberrant localization (PMID: 19500388, 17719863, 11479741); Not observed at significant frequency in large population cohorts (gnomAD); In silico analysis supports that this missense variant has a deleterious effect on protein structure/function; This variant is associated with the following publications: (PMID: 19500388, 17719863, 18340466, 11479741, 30655187, 21956185, 29236161, 31485555, 32160374, 35878747, 33069919, 10094560, 28663156, 39983296)

Genomenon, Inc
Classification: Pathogenic for Hypophosphatasia. Last evaluated: 2025-08-29. Review status: criteria provided, single submitter. Criteria: Genomenon Sequence Variant Interpretation Standards. Collection method: curation. Allele origin: germline. Affected: yes.
Comment: ALPL c.746G>T is a missense variant that changes the amino acid at residue 249 from Glycine to Valine. This variant has been observed in at least one proband affected with hypophosphatasia (PMID:28663156;32973344;35878747;11479741;19500388;33069919;30655187;29774402;10094560;31485555;32811521;18925618). The variant was found to segregate with disease in at least one affected family (PMID:11479741). At least one functional study has demonstrated a substantial alteration in protein function relative to the wild-type (PMID:17719863;18340466). This variant is also described as Gly232Val in the literature. It is absent or not present at a significant frequency in gnomAD. In silico models agree that this variant is possibly or probably damaging. In conclusion, we classify ALPL p.Gly249Val (c.746G>T) as a pathogenic variant.

Labcorp Genetics (formerly Invitae), Labcorp
Classification: Pathogenic. Last evaluated: 2025-08-24. Review status: criteria provided, single submitter. Criteria: Invitae Variant Classification Sherloc (09022015). Collection method: clinical testing. Allele origin: germline.
Comment: This sequence change replaces glycine, which is neutral and non-polar, with valine, which is neutral and non-polar, at codon 249 of the ALPL protein (p.Gly249Val). This variant is present in population databases (rs121918018, gnomAD 0.0009%). This missense change has been observed in individual(s) with autosomal dominant and recessive hypophosphatasia (PMID: 10094560, 11479741, 28663156). In at least one individual the data is consistent with being in trans (on the opposite chromosome) from a pathogenic variant. It has also been observed to segregate with disease in related individuals. This variant is also known as Gly232Val. ClinVar contains an entry for this variant (Variation ID: 13682). Invitae Evidence Modeling of protein sequence and biophysical properties (such as structural, functional, and spatial information, amino acid conservation, physicochemical variation, residue mobility, and thermodynamic stability) indicates that this missense variant is expected to disrupt ALPL protein function with a positive predictive value of 95%. Experimental studies have shown that this missense change affects ALPL function (PMID: 17719863, 18340466). For these reasons, this variant has been classified as Pathogenic.

Natera, Inc.
Classification: Pathogenic for Hypophosphatasia. Last evaluated: 2025-07-15. Review status: criteria provided, single submitter. Criteria: Natera Variant Classification Schema (03/2026). Collection method: clinical testing. Allele origin: germline.
Comment: The c.746G>T variant in ALPL is a missense variant predicted to cause substitution of glycine to valine at amino acid 249. This variant is rare in the general population with a frequency below the threshold expected for the associated phenotype(s). This variant has been observed in one or more individuals affected with the associated recessive disease, as either homozygous or compound heterozygous with a second variant (PMID: 28663156, 32811521, 10094560). Additionally, this variant has been observed to segregate in affected family members (PMID: 28663156). Computational prediction algorithms indicate this variant is likely to affect gene or protein function. Given the available evidence, this variant is classified as Pathogenic.

Baylor Genetics
Classification: Pathogenic for Adult hypophosphatasia. Last evaluated: 2024-03-20. Review status: criteria provided, single submitter. Criteria: ACMG Guidelines, 2015. Collection method: clinical testing. Allele origin: unknown.

Women's Health and Genetics/Laboratory Corporation of America, LabCorp
Classification: Pathogenic for Hypophosphatasia. Last evaluated: 2023-10-06. Review status: criteria provided, single submitter. Criteria: LabCorp Variant Classification Summary - May 2015. Collection method: clinical testing. Allele origin: germline.
Comment: Variant summary: ALPL c.746G>T (p.Gly249Val) results in a non-conservative amino acid change in the encoded protein sequence. Five of five in-silico tools predict a damaging effect of the variant on protein function. The variant allele was found at a frequency of 4e-06 in 251394 control chromosomes. c.746G>T has been reported in the literature in multiple individuals affected with Hypophosphatasia, Autosomal Recessive, either at a homozygous state or along with a second pathogenic variant (examples, Saglam_2017, DelAngel_2020). This variant has also been reported as a sole heterozygous change in at-least two patients with Hypophosphatasia (examples, Saglam_2017, DelAngel_2020). These data indicate that the variant is very likely to be associated with disease. ALPL has been described in association with both autosomal recessive moderate hypophosphatasia and autosomal dominant mild hypophosphatasia (PMID:29236161). At least one publication reports experimental evidence evaluating an impact on protein function. The most pronounced variant effect results in 30%-50% of normal activity and the variant protein has failed to locate on cellular membrane (BrunHeath_2007). The following publications have been ascertained in the context of this evaluation (PMID: 17719863, 32160374, 28663156). Six submitters have cited clinical-significance assessments for this variant to ClinVar after 2014 (PATH, n=5, VUS, n=1). Based on the evidence outlined above, the variant was classified as pathogenic.

Blueprint Genetics
Classification: Pathogenic for ALPL-related disorders. Last evaluated: 2022-03-30. Review status: criteria provided, single submitter. Criteria: ACMG Guidelines, 2015. Collection method: clinical testing. Allele origin: germline. Affected: yes. Observed: 1 variant allele.

Johns Hopkins Genomics, Johns Hopkins University
Classification: Pathogenic for Childhood hypophosphatasia. Last evaluated: 2020-12-02. Review status: criteria provided, single submitter. Criteria: ACMG Guidelines, 2015. Collection method: clinical testing. Allele origin: germline.

Eurofins Ntd Llc (ga)
Classification: Pathogenic. Last evaluated: 2015-11-17. Review status: criteria provided, single submitter. Criteria: EGL Classification Definitions 2015. Collection method: clinical testing. Allele origin: germline. Observed: 1 variant allele, 1 heterozygote.

Rady Children's Institute for Genomic Medicine, Rady Children's Hospital San Diego
Classification: Pathogenic for ALPL-related disorders. Review status: criteria provided, single submitter. Criteria: ACMG Guidelines, 2015. Collection method: clinical testing. Allele origin: germline. Affected: yes.
Comment: This variant has been previously reported as a heterozygous and homozygous change in individuals with ALPL-related disorders (PMID: 19500388, 28663156, 33069919). Asymptomatic carriers of the c.746G>T (p.Gly249Val) variant have been also reported (PMID: 28663156). Functional studies have shown that this variant results in abnormal ALPL protein function (PMID: 17719863, 18340466). The c.746G>T (p.Gly249Val) variant is present in the heterozygous state in the gnomAD population database at a frequency of 0.0004% (1/251394). The c.746G>T (p.Gly249Val) variant affects a moderately conserved amino acid and is predicted by multiple in silico tools to have a deleterious effect on protein function. Based on the available evidence, the c.746G>T (p.Gly249Val) variant is classified as Pathogenic.

Counsyl
Classification: Uncertain significance for Infantile hypophosphatasia. Last evaluated: 2017-06-29. Review status: no assertion criteria provided. Collection method: clinical testing. Allele origin: unknown. Not counted in ClinVar's aggregate classification.

OMIM
Classification: Pathogenic for HYPOPHOSPHATASIA, CHILDHOOD. Last evaluated: 2008-05-01. Review status: no assertion criteria provided. Collection method: literature only. Allele origin: germline. Not counted in ClinVar's aggregate classification.

OMIM
Classification: Pathogenic for ODONTOHYPOPHOSPHATASIA. Last evaluated: 2008-05-01. Review status: no assertion criteria provided. Collection method: literature only. Allele origin: germline. Not counted in ClinVar's aggregate classification.

Clinical Genetics DNA and cytogenetics Diagnostics Lab, Erasmus MC, Erasmus Medical Center
Classification: Likely pathogenic. Review status: no assertion criteria provided. Collection method: clinical testing. Allele origin: germline. Affected: yes. Study: VKGL Data-share Consensus. Not counted in ClinVar's aggregate classification.

Genome Diagnostics Laboratory, Amsterdam University Medical Center
Classification: Pathogenic. Review status: no assertion criteria provided. Collection method: clinical testing. Allele origin: germline. Affected: yes. Study: VKGL Data-share Consensus. Not counted in ClinVar's aggregate classification.

Literature cited by the submitters: PubMed 28663156 (cited by 4 submitters); PubMed 32973344 (cited by Genomenon, Inc); PubMed 35878747 (cited by Genomenon, Inc); PubMed 11479741 (cited by 5 submitters); PubMed 19500388 (cited by Genomenon, Inc); PubMed 33069919 (cited by Genomenon, Inc); PubMed 30655187 (cited by Genomenon, Inc); PubMed 29774402 (cited by Genomenon, Inc); PubMed 10094560 (cited by 5 submitters); PubMed 31485555 (cited by Genomenon, Inc); PubMed 32811521 (cited by Genomenon, Inc and Natera, Inc.); PubMed 18925618 (cited by Genomenon, Inc); PubMed 17719863 (cited by 5 submitters); PubMed 18340466 (cited by 4 submitters); PubMed 32160374 (cited by Women's Health and Genetics/Laboratory Corporation of America, LabCorp); PubMed 8675582 (cited by Johns Hopkins Genomics, Johns Hopkins University).

NM_000478.6(ALPL):c.746G>T (p.Gly249Val)

Gene: ALPL (alkaline phosphatase, biomineralization associated; plus strand). Cytogenetic location: 1p36.12.
Variant type: single nucleotide variant.
Coding change: c.746G>T on transcript NM_000478.6 (MANE Select); coding-DNA position 746, G replaced by T.
Protein change: p.Gly249Val; replaces glycine 249 with valine.
Molecular consequence: missense variant.
Genome position (GRCh38, 1-based): chr1:21,568,201, G>T. VCF-style: chr1-21568201-G-T. GRCh37 (hg19) VCF-style: chr1-21894694-G-T.
Other names: G232V; c.581G>T, p.Gly194Val (NM_001127501.4); c.515G>T, p.Gly172Val (NM_001177520.3); c.746G>T, p.Gly249Val (NM_001369803.2, NM_001369804.2, NM_001369805.2); short protein forms G249V, G172V, G194V.
Identifiers: ClinVar variation 13682 (VCV000013682.30), dbSNP rs121918018, ClinGen allele CA123350.